The following is an entry in ClinVar:

ClinVar aggregate classification (germline): Uncertain significance. Review status: criteria provided, multiple submitters, no conflicts (2 of 4 stars). 4 submissions from 4 submitters: Uncertain significance (3). 1 of the submissions does not count toward it. Last evaluated 2024-07-09.

Conditions:
Hereditary cancer-predisposing syndrome. Also called: Tumor predisposition; Hereditary Cancer Syndrome; Neoplastic Syndromes, Hereditary; Hereditary neoplastic syndrome. Identifiers: Orphanet 140162, MedGen C0027672, MeSH D009386, MONDO:0015356.
Microcephaly, normal intelligence and immunodeficiency (NBS). Also called: Nijmegen breakage syndrome; Microcephaly with normal intelligence immunodeficiency and lymphoreticular malignancies; Nonsyndromal microcephaly autosomal recessive with normal intelligence; Seemanova syndrome 2; BERLIN BREAKAGE SYNDROME; IMMUNODEFICIENCY, MICROCEPHALY, AND CHROMOSOMAL INSTABILITY. Identifiers: Orphanet 647, MedGen C0398791, MONDO:0009623, OMIM 251260.

Allele frequency attached by ClinVar (database versions not stated): gnomAD exomes below 0.00001 and 0.00001; gnomAD 0.00003.
gnomAD v4.1: 6 of 1,613,254 alleles (0.00037%); highest among the groups gnomAD compares: South Asian, 0.0022%; no homozygotes.

Submissions (4):

Ambry Genetics
Classification: Uncertain significance for Hereditary cancer-predisposing syndrome. Last evaluated: 2024-07-09. Review status: criteria provided, single submitter. Criteria: Ambry Variant Classification Scheme 2023. Collection method: clinical testing. Allele origin: germline.
Comment: The p.I597V variant (also known as c.1789A>G), located in coding exon 11 of the NBN gene, results from an A to G substitution at nucleotide position 1789. The isoleucine at codon 597 is replaced by valine, an amino acid with highly similar properties. This amino acid position is poorly conserved in available vertebrate species. In addition, this alteration is predicted to be tolerated by in silico analysis. Since supporting evidence is limited at this time, the clinical significance of this alteration remains unclear.

Labcorp Genetics (formerly Invitae), Labcorp
Classification: Uncertain significance for Microcephaly, normal intelligence and immunodeficiency. Last evaluated: 2022-09-22. Review status: criteria provided, single submitter. Criteria: Invitae Variant Classification Sherloc (09022015). Collection method: clinical testing. Allele origin: germline.
Comment: This sequence change replaces isoleucine, which is neutral and non-polar, with valine, which is neutral and non-polar, at codon 597 of the NBN protein (p.Ile597Val). This variant is present in population databases (no rsID available, gnomAD 0.004%). This variant has not been reported in the literature in individuals affected with NBN-related conditions. ClinVar contains an entry for this variant (Variation ID: 219584). Algorithms developed to predict the effect of missense changes on protein structure and function (SIFT, PolyPhen-2, Align-GVGD) all suggest that this variant is likely to be tolerated. In summary, the available evidence is currently insufficient to determine the role of this variant in disease. Therefore, it has been classified as a Variant of Uncertain Significance.

Genome-Nilou Lab
Classification: Uncertain significance for Microcephaly, normal intelligence and immunodeficiency. Last evaluated: 2021-11-07. Review status: criteria provided, single submitter. Criteria: ACMG Guidelines, 2015. Collection method: clinical testing. Allele origin: germline. Affected: no.

Natera, Inc.
Classification: Uncertain significance for Nijmegen breakage syndrome. Last evaluated: 2021-03-25. Review status: no assertion criteria provided. Collection method: clinical testing. Allele origin: germline. Not counted in ClinVar's aggregate classification.

NM_002485.5(NBN):c.1789A>G (p.Ile597Val)

Gene: NBN (nibrin; minus strand). Cytogenetic location: 8q21.3.
Variant type: single nucleotide variant.
Coding change: c.1789A>G on transcript NM_002485.5 (MANE Select); coding-DNA position 1789, A replaced by G.
Protein change: p.Ile597Val; replaces isoleucine 597 with valine.
Molecular consequence: missense variant.
Genome position (GRCh38, 1-based): chr8:89,953,300, T>C on the plus strand (A>G on the coding strand, the complement: NBN is on the minus strand). VCF-style: chr8-89953300-T-C. GRCh37 (hg19) VCF-style: chr8-90965528-T-C.
Other names: c.1543A>G, p.Ile515Val (NM_001024688.3); short protein forms I597V, I515V.
Identifiers: ClinVar variation 219584 (VCV000219584.19), dbSNP rs864622167, ClinGen allele CA350030.
Genomic context (GRCh38, chr8:89,953,300, plus strand): 5'-TTACAGATATTTTGCTACTTTCTGGTACTGCTTCATCACTGAAAGTGTCATTTGTTTCTA[T>C]ATCCATCCTTGGCCTTTTTCTAACATTGACATCTTCCTCCTGTTTTTGAACTTTCACATC-3'
Protein context (NP_002476.2, residues 587-607): VNVRKRPRMD[Ile597Val]ETNDTFSDEA